The following is an entry in ClinVar:

NM_005901.6(SMAD2):c.1256T>C (p.Val419Ala)

Gene: SMAD2 (SMAD family member 2; minus strand). Cytogenetic location: 18q21.1.
Variant type: single nucleotide variant.
Coding change: c.1256T>C on transcript NM_005901.6 (MANE Select); coding-DNA position 1256, T replaced by C.
Protein change: p.Val419Ala; replaces valine 419 with alanine.
Molecular consequence: missense variant.
Genome position (GRCh38, 1-based): chr18:47,845,364, A>G on the plus strand (T>C on the coding strand, the complement: SMAD2 is on the minus strand). VCF-style: chr18-47845364-A-G. GRCh37 (hg19) VCF-style: chr18-45371735-A-G.
Other names: c.1256T>C, p.Val419Ala (NM_001003652.4); c.1166T>C, p.Val389Ala (NM_001135937.3); short protein forms V419A, V389A.
Identifiers: ClinVar variation 4690711 (VCV004690711.1).

ClinVar aggregate classification (germline): Uncertain significance (1 of 4 stars; one submission).

gnomAD v4.1: 1 of 1,613,904 alleles (0.000062%); highest among the groups gnomAD compares: Non-Finnish European, 0.000085%; no homozygotes.

Submission:

Labcorp Genetics (formerly Invitae), Labcorp
Classification: Uncertain significance. Last evaluated: 2026-01-24. Review status: criteria provided, single submitter. Criteria: Invitae Variant Classification Sherloc (09022015). Collection method: clinical testing. Allele origin: germline.
Comment: This sequence change replaces valine, which is neutral and non-polar, with alanine, which is neutral and non-polar, at codon 419 of the SMAD2 protein (p.Val419Ala). This variant is not present in population databases (gnomAD no frequency). This variant has not been reported in the literature in individuals affected with SMAD2-related conditions. Invitae Evidence Modeling of protein sequence and biophysical properties (such as structural, functional, and spatial information, amino acid conservation, physicochemical variation, residue mobility, and thermodynamic stability) has been performed for this missense variant. However, the output from this modeling did not meet the statistical confidence thresholds required to predict the impact of this variant on SMAD2 protein function. In summary, the available evidence is currently insufficient to determine the role of this variant in disease. Therefore, it has been classified as a Variant of Uncertain Significance.